The following is an entry in ClinVar:

NM_002715.4(PPP2CA):c.272ATT[1] (p.Tyr92del)

Gene: PPP2CA (protein phosphatase 2 catalytic subunit alpha; minus strand). Cytogenetic location: 5q31.1.
Variant type: Microsatellite.
Coding change: c.272ATT[1] on transcript NM_002715.4 (MANE Select); one copy of the 3-base unit ATT starting at c.272; the reference has two copies in a row; one copy, 3 bases deleted.
Protein change: p.Tyr92del; deletes tyrosine 92.
Molecular consequence: inframe deletion. On other transcripts: non-coding transcript variant (1).
Genome position (GRCh38, 1-based): chr5:134,205,957-134,205,959, AAT deleted on the plus strand (ATT on the coding strand, the reverse complement: PPP2CA is on the minus strand); deleting any 3 consecutive bases within chr5:134,205,957-134,205,963 gives the same sequence; the position shown is the placement nearest the transcript's 3' end. VCF-style (leftmost placement, unchanged base first): chr5-134205956-GAAT-G. GRCh37 (hg19) VCF-style: chr5-133541647-GAAT-G.
Other names: c.77ATT[1], p.Tyr27del (NM_001355019.2); short protein forms Y27del, Y92del.
Identifiers: ClinVar variation 2850305 (VCV002850305.3), dbSNP rs2481058227, ClinGen allele CA2739275071.

ClinVar aggregate classification (germline): Likely pathogenic (1 of 4 stars; one submission).

Submission:

Labcorp Genetics (formerly Invitae), Labcorp
Classification: Likely pathogenic. Last evaluated: 2023-05-09. Review status: criteria provided, single submitter. Criteria: Invitae Variant Classification Sherloc (09022015). Collection method: clinical testing. Allele origin: germline.
Comment: In summary, the currently available evidence indicates that the variant is pathogenic, but additional data are needed to prove that conclusively. Therefore, this variant has been classified as Likely Pathogenic. Experimental studies and prediction algorithms are not available or were not evaluated, and the functional significance of this variant is currently unknown. This variant has been observed in individual(s) with clinical features of PPP2CA-related conditions (Invitae). In at least one individual the variant was observed to be de novo. This variant is not present in population databases (gnomAD no frequency). This variant, c.275_277del, results in the deletion of 1 amino acid(s) of the PPP2CA protein (p.Tyr92del), but otherwise preserves the integrity of the reading frame.